The following is an entry in ClinVar:

NM_001303256.3(MORC2):c.2119C>T (p.Arg707Trp)

Gene: MORC2 (MORC family CW-type zinc finger 2; minus strand). Cytogenetic location: 22q12.2.
Variant type: single nucleotide variant.
Coding change: c.2119C>T on transcript NM_001303256.3 (MANE Select); coding-DNA position 2119, C replaced by T.
Protein change: p.Arg707Trp; replaces arginine 707 with tryptophan.
Molecular consequence: missense variant.
Genome position (GRCh38, 1-based): chr22:30,934,855, G>A on the plus strand (C>T on the coding strand, the complement: MORC2 is on the minus strand). VCF-style: chr22-30934855-G-A. GRCh37 (hg19) VCF-style: chr22-31330842-G-A.
Other names: c.2119C>T, p.Arg707Trp (NM_001303257.2); c.1933C>T, p.Arg645Trp (NM_014941.3); short protein forms R645W, R707W.
Identifiers: ClinVar variation 1333851 (VCV001333851.2), dbSNP rs779144529, ClinGen allele CA10186768.

ClinVar aggregate classification (germline): Uncertain significance. Review status: criteria provided, multiple submitters, no conflicts (2 of 4 stars). 2 submissions from 2 submitters: Uncertain significance (2). Last evaluated 2026-08-06.

Conditions:
Developmental delay, impaired growth, dysmorphic facies, and axonal neuropathy. Identifiers: MedGen C5436781, MONDO:0030835, OMIM 619090.
Charcot-Marie-Tooth disease axonal type 2Z. Also called: CHARCOT-MARIE-TOOTH DISEASE, AXONAL, AUTOSOMAL DOMINANT, TYPE 2Z; CHARCOT-MARIE-TOOTH NEUROPATHY, TYPE 2Z. Identifiers: Orphanet 466768, MedGen C5569025, MONDO:0014736, OMIM 616688.

Allele frequency attached by ClinVar (database versions not stated): gnomAD exomes below 0.00001; ExAC 0.00001.
gnomAD v4.1: 1 of 1,614,144 alleles (0.000062%); highest among the groups gnomAD compares: Non-Finnish European, 0.000085%; no homozygotes.

Submissions (2):

OLLIN Analises Genomicas, OLLIN
Classification: Uncertain significance for Developmental delay, impaired growth, dysmorphic facies, and axonal neuropathy. Last evaluated: 2026-08-06. Review status: criteria provided, single submitter. Criteria: ACMG Guidelines 2015 PMID 25741868. Collection method: clinical testing. Allele origin: germline. Inheritance: Autosomal dominant inheritance.
Comment: This missense variant, located in exon 19 (of 26), has been reported in ClinVar (accession VCV001333851.1) and in gnomAD with an allele frequency of 0.000062%. However, to our knowledge, it has not been reported in the scientific literature. In silico analysis predicts that this variant has a tolerated effect. This gene is constrained for missense variation. According to the currently available evidence, this variant has been classified as uncertain significance (PM2_P, PP2, BP4_M).

CENTOGENE GmbH and LLC - Guiding Precision Medicine
Classification: Uncertain significance for Charcot-Marie-Tooth disease axonal type 2Z. Last evaluated: 2020-02-17. Review status: criteria provided, single submitter. Criteria: ACMG Guidelines, 2015. Collection method: clinical testing. Allele origin: germline. Affected: yes.